The following is an entry in ClinVar:

ClinVar aggregate classification (germline): Likely pathogenic (1 of 4 stars; one submission).

Conditions:
Mucopolysaccharidosis, MPS-IV-A (MPS4A). Also called: Mucopolysaccharidosis type IV A; Mucopolysaccharidosis Type IVA; Morquio syndrome A, mild; MORQUIO SYNDROME A; MPS IVA; mucopolysaccharidosis type 4A. Identifiers: Orphanet 309297, Orphanet 582, MedGen C0086651, MONDO:0009659, OMIM 253000.

Submission:

Laboratory of Diagnosis and Therapy of Lysosomal Disorders, University of Padova
Classification: Likely pathogenic for Mucopolysaccharidosis, MPS-IV-A. Last evaluated: 2021-02-01. Review status: criteria provided, single submitter. Criteria: ACMG Guidelines, 2015. Collection method: curation. Allele origin: germline. Affected: yes.
Comment: Frameshift variant (PVS1_very strong); absent from gnomAD v2.1.1 (PM2_moderate)

Literature cited by the submitters: PubMed 9298823; PubMed 34387910.

NM_000512.5(GALNS):c.501dup (p.Gly168fs)

Gene: GALNS (galactosamine (N-acetyl)-6-sulfatase; minus strand). Cytogenetic location: 16q24.3.
Variant type: Duplication.
Coding change: c.501dup on transcript NM_000512.5 (MANE Select); coding-DNA position 501, one base duplicated (T; older notation c.501dupT).
Protein change: p.Gly168fs; shifts the reading frame from glycine 168.
Molecular consequence: frameshift variant. On other transcripts: 5 prime UTR variant (1).
Genome position (GRCh38, 1-based): chr16:88,837,687, A duplicated on the plus strand (T on the coding strand, the reverse complement: GALNS is on the minus strand); the first of 3 consecutive A bases (chr16:88,837,687-88,837,689); duplicating any one gives the same sequence. VCF-style (leftmost placement, unchanged base first): chr16-88837686-C-CA. GRCh37 (hg19) VCF-style: chr16-88904094-C-CA.
Other names: c.-55dup (NM_001323543.2); c.519dup, p.Gly174fs (NM_001323544.2); short protein forms G168fs, G174fs.
Identifiers: ClinVar variation 1048198 (VCV001048198.3), dbSNP rs2143002383, ClinGen allele CA915940956.